The following is an entry in ClinVar:

ClinVar aggregate classification (germline): Pathogenic/Likely pathogenic. Review status: criteria provided, multiple submitters, no conflicts (2 of 4 stars). 7 submissions from 7 submitters: Pathogenic (4); Likely pathogenic (2). 1 of the submissions does not count toward it. Last evaluated 2024-09-01.

Conditions:
SERPING1-related disorder. Also called: SERPING1-related condition.
Hereditary angioedema type 1 (HAE1). Identifiers: Orphanet 100050, Orphanet 100051, Orphanet 91378, MedGen C2717906, MONDO:0015053, OMIM 106100.

Submissions (8):

CeGaT Center for Human Genetics Tuebingen
Classification: Pathogenic. Last evaluated: 2024-09-01. Review status: criteria provided, single submitter. Criteria: CeGaT Center For Human Genetics Tuebingen Variant Classification Criteria Version 2. Collection method: clinical testing. Allele origin: germline. Affected: yes. Observed: 2 variant alleles.
Comment: SERPING1: PS1, PM2, PP4:Moderate, PS4:Moderate, PS3:Supporting

Labcorp Genetics (formerly Invitae), Labcorp
Classification: Pathogenic. Last evaluated: 2024-06-13. Review status: criteria provided, single submitter. Criteria: Invitae Variant Classification Sherloc (09022015). Collection method: clinical testing. Allele origin: germline.
Comment: This sequence change replaces glycine, which is neutral and non-polar, with arginine, which is basic and polar, at codon 184 of the SERPING1 protein (p.Gly184Arg). This variant also falls at the last nucleotide of exon 3, which is part of the consensus splice site for this exon. This variant is not present in population databases (gnomAD no frequency). This missense change has been observed in individuals with hereditary angioedema type1 or type 2 (PMID: 18586324, 20804470, 21832835, 28359783). This variant is also known as 2694G>A (p.Gly162Arg). ClinVar contains an entry for this variant (Variation ID: 68253). An algorithm developed to predict the effect of missense changes on protein structure and function (PolyPhen-2) suggests that this variant is likely to be disruptive. Experimental studies have shown that this missense change affects SERPING1 function (PMID: 30398465). Variants that disrupt the consensus splice site are a relatively common cause of aberrant splicing (PMID: 17576681, 9536098). Studies have shown that this missense change alters mRNA splicing and is expected to lead to the loss of protein expression (PMID: 28359783). This variant disrupts the p.Gly184 amino acid residue in SERPING1. Other variant(s) that disrupt this residue have been observed in individuals with SERPING1-related conditions (PMID: 28359783), which suggests that this may be a clinically significant amino acid residue. For these reasons, this variant has been classified as Pathogenic.

Blueprint Genetics
Classification: Pathogenic for SERPING1-related disorders. Last evaluated: 2022-08-18. Review status: criteria provided, single submitter. Criteria: ACMG Guidelines, 2015. Collection method: clinical testing. Allele origin: germline. Affected: yes. Observed: 1 variant allele.

GeneDx
Classification: Likely pathogenic. Last evaluated: 2016-09-13. Review status: criteria provided, single submitter. Criteria: GeneDx Variant Classification (06012015). Collection method: clinical testing. Allele origin: germline. Affected: yes.
Comment: The G184R missense variant in the SERPING1 gene has been frequently reported in association with hereditary angiodema (Roche et al., 2005; Verpy et al., 1996; Gosswein et al., 2008). G184R was not observed in approximately 6400 individuals of European and African American ancestry in the NHLBI Exome Sequencing Project, indicating it is not a common benign variant in these populations. This non-conservative amino acid substitution occurs at a position that is conserved in mammals. In silico analysis is inconsistent in its predictions as to whether or not G184R is damaging to the protein structure/function; the variant affects a non-canonical splice donor site in intron 3, and may cause abnormal gene splicing with skipping of exon 3 (de la Cruz et al., 2012). Functional studies show that healthy controls have both the full SERPING1 protein and low levels of a protein variant missing exon 3. The presence of G184R disproportionately increases the percentage of exon 3 skipping variant while decreasing the overall amount of SERPING1 protein (de la Cruz et al., 2012). Missense variants in the same (G184E) and nearby residues (T179I, L183P, A185P, T189N) have been reported in the Human Gene Mutation Database in association with hereditary angiodema (Stenson et al., 2014), supporting the functional importance of this region of the protein.

Department of Immunology and Histocompatibility, University of Thessaly
Classification: Pathogenic for Hereditary angioedema type 1. Review status: criteria provided, single submitter. Criteria: ACMG Guidelines, 2015. Collection method: clinical testing. Allele origin: inherited. Affected: yes. Observed: 2 variant alleles.
Comment: The c.550G>A (p.Gly184Arg) mutation in the SERPING1 gene has been previously reported in association with hereditary angioedema in the literature (Roche et al., 2005; Verpy et al., 1996; Gosswein et al., 2008; Kesim et al., 2011; Loules et al., 2018), in HAE database and in ClinVar database. The variant has not been detected in approximately 120000 individuals of the Exome Aggregation Consortium (ExAC) database, indicating that it is not a common variant. It was detected by our laboratory in 2 C1-INH HAE Type I male patients of a Greek family. Two missense mutations, changing the same residue, c.550G>C, p.Gly184Arg and c.551G>A, p.Gly184Glu have been previously associated with hereditary angioedema by Roche O et al. (2005) and Zuraw et al (2000). Taking all the above into account and according to ACMG Guidelines, 2015 (Criteria: PS1, PS4, PM2, PP1, PP2, PP4), the variant is considered pathogenic.

Juno Genomics, Hangzhou Juno Genomics, Inc
Classification: Likely pathogenic for Hereditary angioedema type 1. Review status: criteria provided, single submitter. Criteria: ACMG Guidelines, 2015. Collection method: clinical testing. Allele origin: germline. Affected: yes.
Comment: Absent from controls (or at extremely low frequency if recessive) in Genome Aggregation Database, Exome Sequencing Project, 1000 Genomes Project, or Exome Aggregation Consortium.;The prevalence of the variant in affected individuals is significantly increased compared to the prevalence in controls.;Patient's phenotype or family history is highly specific for a disease with a single genetic etiology.;Well-established in vitro or in vivo functional studies supportive of a damaging effect on the gene or gene product.;Novel missense change at an amino acid residue where a different missense change determined to be pathogenic has been seen before.

Dr. Peter K. Rogan Lab, Western University
No classification provided (evidence only). Condition: Malignant tumor of urinary bladder. Review status: no classification provided. Collection method: in vitro. Allele origin: not applicable. Functional consequence: retained intron. Not counted in ClinVar's aggregate classification.

UniProtKB/Swiss-Prot
No classification provided. Review status: no classification provided. Collection method: not provided. Allele origin: not provided. Not counted in ClinVar's aggregate classification.

Literature cited by the submitters: PubMed 18586324 (cited by Labcorp Genetics (formerly Invitae), Labcorp); PubMed 20804470 (cited by Labcorp Genetics (formerly Invitae), Labcorp); PubMed 21832835 (cited by Labcorp Genetics (formerly Invitae), Labcorp); PubMed 28359783 (cited by Labcorp Genetics (formerly Invitae), Labcorp); PubMed 30398465 (cited by Labcorp Genetics (formerly Invitae), Labcorp); PubMed 17576681 (cited by Labcorp Genetics (formerly Invitae), Labcorp); PubMed 9536098 (cited by Labcorp Genetics (formerly Invitae), Labcorp); PubMed 29753808 (cited by Department of Immunology and Histocompatibility, University of Thessaly).

NM_000062.3(SERPING1):c.550G>A (p.Gly184Arg)

Gene: SERPING1 (serpin family G member 1; plus strand). Cytogenetic location: 11q12.1.
Variant type: single nucleotide variant.
Coding change: c.550G>A on transcript NM_000062.3 (MANE Select); coding-DNA position 550, G replaced by A.
Protein change: p.Gly184Arg; replaces glycine 184 with arginine.
Molecular consequence: missense variant.
Genome position (GRCh38, 1-based): chr11:57,600,377, G>A. VCF-style: chr11-57600377-G-A. GRCh37 (hg19) VCF-style: chr11-57367850-G-A.
Other names: c.550G>A, p.Gly184Arg (NM_001032295.2); short protein forms G184R.
Identifiers: ClinVar variation 68253 (VCV000068253.48), dbSNP rs281875170, ClinGen allele CA219267.